The following is an entry in ClinVar:

NM_001349338.3(FOXP1):c.1889+7A>T

Gene: FOXP1 (forkhead box P1; minus strand). Cytogenetic location: 3p13.
Variant type: single nucleotide variant.
Coding change: c.1889+7A>T on transcript NM_001349338.3 (MANE Select); 7 bases into the intron after coding-DNA position 1889, A replaced by T.
Molecular consequence: intron variant.
Genome position (GRCh38, 1-based): chr3:70,965,883, T>A on the plus strand (A>T on the coding strand, the complement: FOXP1 is on the minus strand). VCF-style: chr3-70965883-T-A. GRCh37 (hg19) VCF-style: chr3-71015034-T-A.
Other names: c.1586+7A>T (NM_001349343.3, NM_001349337.2, NM_001370548.1 and 1 more transcripts); c.1589+7A>T (NM_001349342.3, NM_001244815.2, NM_001244813.3); c.1937+7A>T (NM_001244810.2); c.1889+7A>T (NM_032682.6, NM_001349340.3, NM_001244816.2 and 1 more transcripts); c.1886+7A>T (NM_001349341.3, NM_001244808.3); c.1661+7A>T (NM_001244812.3).
Identifiers: ClinVar variation 2831092 (VCV002831092.3), dbSNP rs771667463, ClinGen allele CA1373961745.

ClinVar aggregate classification (germline): Uncertain significance (1 of 4 stars; one submission).

gnomAD v4.1: 1 of 1,613,616 alleles (0.000062%); highest among the groups gnomAD compares: Non-Finnish European, 0.000085%; no homozygotes.

Submission:

Labcorp Genetics (formerly Invitae), Labcorp
Classification: Uncertain significance. Last evaluated: 2023-10-07. Review status: criteria provided, single submitter. Criteria: Invitae Variant Classification Sherloc (09022015). Collection method: clinical testing. Allele origin: germline.
Comment: This sequence change falls in intron 20 of the FOXP1 gene. It does not directly change the encoded amino acid sequence of the FOXP1 protein. This variant is not present in population databases (gnomAD no frequency). This variant has not been reported in the literature in individuals affected with FOXP1-related conditions. Algorithms developed to predict the effect of sequence changes on RNA splicing suggest that this variant may disrupt the consensus splice site. In summary, the available evidence is currently insufficient to determine the role of this variant in disease. Therefore, it has been classified as a Variant of Uncertain Significance.